The following is an entry in ClinVar:

ClinVar aggregate classification (germline): Uncertain significance (1 of 4 stars; one submission).

Allele frequency attached by ClinVar (database versions not stated): gnomAD exomes below 0.00001.

Submission:

GeneDx
Classification: Uncertain significance. Last evaluated: 2022-12-04. Review status: criteria provided, single submitter. Criteria: GeneDx Variant Classification Process June 2021. Collection method: clinical testing. Allele origin: germline. Affected: yes.
Comment: Not observed at significant frequency in large population cohorts (gnomAD); In silico analysis supports that this missense variant does not alter protein structure/function; Has not been previously published as pathogenic or benign to our knowledge

NM_020795.4(NLGN2):c.1178A>G (p.Asp393Gly)

Gene: NLGN2 (neuroligin 2; plus strand). Cytogenetic location: 17p13.1.
Variant type: single nucleotide variant.
Coding change: c.1178A>G on transcript NM_020795.4 (MANE Select); coding-DNA position 1178, A replaced by G.
Protein change: p.Asp393Gly; replaces aspartic acid 393 with glycine.
Molecular consequence: missense variant.
Genome position (GRCh38, 1-based): chr17:7,415,651, A>G. VCF-style: chr17-7415651-A-G. GRCh37 (hg19) VCF-style: chr17-7318970-A-G.
Other names: short protein forms D393G.
Identifiers: ClinVar variation 2504345 (VCV002504345.1), dbSNP rs2507743600, ClinGen allele CA397824101.